The following is an entry in ClinVar:

ClinVar aggregate classification (germline): Uncertain significance. Review status: criteria provided, multiple submitters, no conflicts (2 of 4 stars). 2 submissions from 2 submitters: Uncertain significance (2). Last evaluated 2025-08-09.

Conditions:
Rhabdoid tumor predisposition syndrome 2 (RTPS2). Identifiers: Orphanet 231108, Orphanet 69077, MedGen C2750074, MONDO:0013224, OMIM 613325.

Allele frequency attached by ClinVar (database versions not stated): gnomAD exomes below 0.00001.
gnomAD v4.1: 1 of 1,610,746 alleles (0.000062%); highest among the groups gnomAD compares: Admixed American, 0.0017%; no homozygotes.

Submissions (2):

Labcorp Genetics (formerly Invitae), Labcorp
Classification: Uncertain significance for Rhabdoid tumor predisposition syndrome 2. Last evaluated: 2025-08-09. Review status: criteria provided, single submitter. Criteria: Invitae Variant Classification Sherloc (09022015). Collection method: clinical testing. Allele origin: germline.
Comment: This sequence change replaces serine, which is neutral and polar, with cysteine, which is neutral and slightly polar, at codon 1508 of the SMARCA4 protein (p.Ser1508Cys). This variant is present in population databases (no rsID available, gnomAD 0.003%). This variant has not been reported in the literature in individuals affected with SMARCA4-related conditions. ClinVar contains an entry for this variant (Variation ID: 2881676). An algorithm developed to predict the effect of missense changes on protein structure and function (PolyPhen-2) suggests that this variant is likely to be tolerated. In summary, the available evidence is currently insufficient to determine the role of this variant in disease. Therefore, it has been classified as a Variant of Uncertain Significance.

GeneDx
Classification: Uncertain significance. Last evaluated: 2024-11-05. Review status: criteria provided, single submitter. Criteria: GeneDx Variant Classification Process June 2021. Collection method: clinical testing. Allele origin: germline. Affected: yes.
Comment: In silico analysis indicates that this missense variant does not alter protein structure/function; Has not been previously published as pathogenic or benign to our knowledge

NM_003072.5(SMARCA4):c.4426A>T (p.Ser1476Cys)

Gene: SMARCA4 (SWI/SNF related BAF chromatin remodeling complex subunit ATPase 4; plus strand). Cytogenetic location: 19p13.2.
Variant type: single nucleotide variant.
Coding change: c.4426A>T on transcript NM_003072.5 (MANE Select); coding-DNA position 4426, A replaced by T.
Protein change: p.Ser1476Cys; replaces serine 1476 with cysteine.
Molecular consequence: missense variant. On other transcripts: splice acceptor variant (2).
Genome position (GRCh38, 1-based): chr19:11,058,256, A>T. VCF-style: chr19-11058256-A-T. GRCh37 (hg19) VCF-style: chr19-11168932-A-T.
Other names: c.4426A>T, p.Ser1476Cys (NM_001128844.3); c.4336A>T, p.Ser1446Cys (NM_001128845.2); c.4327A>T, p.Ser1443Cys (NM_001128847.4, NM_001374457.1); c.4522A>T, p.Ser1508Cys (NM_001128849.3, NM_001387283.1); c.4423A>T, p.Ser1475Cys (NM_001411150.1); c.4335-2A>T (NM_001128846.2); c.4326-2A>T (NM_001128848.2); c.4522A>T (NM_001128849.1); short protein forms S1475C, S1476C, S1443C, S1446C, S1508C.
Identifiers: ClinVar variation 2881676 (VCV002881676.4), dbSNP rs1164313425, ClinGen allele CA404077172.
Genomic context (GRCh38, chr19:11,058,256, plus strand): 5'-GGGTGGGGGCTCCCGGGTGGGCGGACTCGGGGGTGATAGCCGCCGGTTCTGCCTTGCAGC[A>T]GCAGTGGACGTCAGCTCAGCGAGGTCTTCATCCAGCTGCCCTCGCGAAAGGAGCTGCCCG-3'
Protein context (NP_003063.2, residues 1466-1486): VDAVIKYKDS[Ser1476Cys]SGRQLSEVFI